The following is an entry in ClinVar:

NM_000089.4(COL1A2):c.3166G>C (p.Ala1056Pro)

Gene: COL1A2 (collagen type I alpha 2 chain; plus strand). Cytogenetic location: 7q21.3.
Variant type: single nucleotide variant.
Coding change: c.3166G>C on transcript NM_000089.4 (MANE Select); coding-DNA position 3166, G replaced by C.
Protein change: p.Ala1056Pro; replaces alanine 1056 with proline.
Molecular consequence: missense variant.
Genome position (GRCh38, 1-based): chr7:94,427,194, G>C. VCF-style: chr7-94427194-G-C. GRCh37 (hg19) VCF-style: chr7-94056506-G-C.
Other names: short protein forms A1056P.
Identifiers: ClinVar variation 3748756 (VCV003748756.2).

ClinVar aggregate classification (germline): Uncertain significance (1 of 4 stars; one submission).

Conditions:
Ehlers-Danlos syndrome, classic type, 1 (EDSCL1). Also called: EHLERS-DANLOS SYNDROME, GRAVIS TYPE; EHLERS-DANLOS SYNDROME, SEVERE CLASSIC TYPE; Ehlers-Danlos syndrome, type 1; Ehlers-Danlos Syndrome, Classic Type, COL5A1-Related; EDS I. Identifiers: MedGen C0268335, MONDO:0019567, OMIM 130000.
Osteogenesis imperfecta type I (OI1). Also called: OI, TYPE I; OSTEOGENESIS IMPERFECTA TARDA; OSTEOGENESIS IMPERFECTA WITH BLUE SCLERAE; Osteogenesis imperfecta type 1; Lobstein's Disease; Lobstein disease. Identifiers: Orphanet 216796, Orphanet 666, MedGen C0023931, MONDO:0008146, OMIM 166200. Disease mechanism: loss of function.

gnomAD v4.1: 2 of 1,614,024 alleles (0.00012%); highest among the groups gnomAD compares: Non-Finnish European, 0.00017%; no homozygotes.

Submission:

Labcorp Genetics (formerly Invitae), Labcorp
Classification: Uncertain significance for Osteogenesis imperfecta type I; Ehlers-Danlos syndrome, classic type, 1. Last evaluated: 2024-03-26. Review status: criteria provided, single submitter. Criteria: Invitae Variant Classification Sherloc (09022015). Collection method: clinical testing. Allele origin: germline.
Comment: This sequence change replaces alanine, which is neutral and non-polar, with proline, which is neutral and non-polar, at codon 1056 of the COL1A2 protein (p.Ala1056Pro). This variant is not present in population databases (gnomAD no frequency). This variant has not been reported in the literature in individuals affected with COL1A2-related conditions. Advanced modeling of protein sequence and biophysical properties (such as structural, functional, and spatial information, amino acid conservation, physicochemical variation, residue mobility, and thermodynamic stability) performed at Invitae indicates that this missense variant is not expected to disrupt COL1A2 protein function with a negative predictive value of 95%. In summary, the available evidence is currently insufficient to determine the role of this variant in disease. Therefore, it has been classified as a Variant of Uncertain Significance.